The following is an entry in ClinVar:

ClinVar aggregate classification (germline): Uncertain significance (1 of 4 stars; one submission).

Conditions:
Pitt-Hopkins-like syndrome 2 (PTHSL2). Identifiers: Orphanet 221150, Orphanet 600663, MedGen C3280479, MONDO:0013690, OMIM 614325.

gnomAD v4.1: 1 of 1,614,044 alleles (0.000062%); highest among the groups gnomAD compares: Admixed American, 0.0017%; no homozygotes.

Submission:

Labcorp Genetics (formerly Invitae), Labcorp
Classification: Uncertain significance for Pitt-Hopkins-like syndrome 2. Last evaluated: 2024-10-21. Review status: criteria provided, single submitter. Criteria: Invitae Variant Classification Sherloc (09022015). Collection method: clinical testing. Allele origin: germline.
Comment: This sequence change replaces asparagine, which is neutral and polar, with lysine, which is basic and polar, at codon 1349 of the NRXN1 protein (p.Asn1349Lys). This variant is present in population databases (no rsID available, gnomAD 0.003%). This variant has not been reported in the literature in individuals affected with NRXN1-related conditions. ClinVar contains an entry for this variant (Variation ID: 1402667). Invitae Evidence Modeling of protein sequence and biophysical properties (such as structural, functional, and spatial information, amino acid conservation, physicochemical variation, residue mobility, and thermodynamic stability) indicates that this missense variant is not expected to disrupt NRXN1 protein function with a negative predictive value of 80%. In summary, the available evidence is currently insufficient to determine the role of this variant in disease. Therefore, it has been classified as a Variant of Uncertain Significance.

NM_001330078.2(NRXN1):c.3927T>G (p.Asn1309Lys)

Gene: NRXN1 (neurexin 1; minus strand). Cytogenetic location: 2p16.3.
Variant type: single nucleotide variant.
Coding change: c.3927T>G on transcript NM_001330078.2 (MANE Select); coding-DNA position 3927, T replaced by G.
Protein change: p.Asn1309Lys; replaces asparagine 1309 with lysine.
Molecular consequence: missense variant.
Genome position (GRCh38, 1-based): chr2:50,053,472, A>C on the plus strand (T>G on the coding strand, the complement: NRXN1 is on the minus strand). VCF-style: chr2-50053472-A-C. GRCh37 (hg19) VCF-style: chr2-50280610-A-C.
Other names: c.4047T>G, p.Asn1349Lys (NM_001135659.3); c.3903T>G, p.Asn1301Lys (NM_001330077.2, NM_001330082.2); c.3771T>G, p.Asn1257Lys (NM_001330083.2); c.3861T>G, p.Asn1287Lys (NM_001330084.2); c.3900T>G, p.Asn1300Lys (NM_001330085.2); c.3927T>G, p.Asn1309Lys (NM_001330086.2); c.3726T>G, p.Asn1242Lys (NM_001330087.2, NM_001330096.2); c.3756T>G, p.Asn1252Lys (NM_001330088.2); and 6 more; short protein forms N1242K, N1257K, N1300K, N1308K, N1279K, N1305K, N244K, N1252K.
Identifiers: ClinVar variation 1402667 (VCV001402667.8), dbSNP rs1228692111, ClinGen allele CA346819751.